The following is an entry in ClinVar:

ClinVar aggregate classification (germline): Pathogenic. Review status: reviewed by expert panel (3 of 4 stars). 8 submissions from 8 submitters: Pathogenic (1). 7 of the submissions do not count toward it. Last evaluated 2021-12-02.

Conditions:
Glycogen storage disease. Also called: glycogen storage disorder; Disorder of glycogen metabolism. Identifiers: Orphanet 79201, MedGen C0017919, MONDO:0002412.
Glycogen storage disease, type II (IOPD). Also called: Glucosidase acid-1,4-alpha deficiency; Pompe Disease; GLYCOGENOSIS, GENERALIZED, CARDIAC FORM; GSD II; Glycogen storage disease type 2; Acid maltase deficiency disease. Identifiers: Orphanet 365, MedGen C0017921, MONDO:0009290, OMIM 232300.

Submissions (8):

ClinGen Lysosomal Storage Disorder Variant Curation Expert Panel
Classification: Pathogenic for Glycogen storage disease, type II. Last evaluated: 2021-12-02. Review status: reviewed by expert panel. Criteria: clingen_lsd_acmg_specifications_v2-1. Collection method: curation. Allele origin: germline. Inheritance: Autosomal recessive inheritance.
Comment: The NM_000152.5: c.2544del (p.Lys849ArgfsTer38) variant in GAA is a frameshift variant predicted to cause a premature stop codon in biologically-relevant-exon 19/20. Although the premature stop codon is thought to occur in the penultimate exon of the gene, it is not within the last 50 base pairs of the exon and, therefore, it is predicted to lead to nonsense mediated decay in a gene in which loss-of-function is an established disease mechanism. A patient with this variant has been reported to have no GAA cross-reactive material (CRIM-negative)(PMID 23763753), supporting that this variant is a loss of function variant (PVS1). This patient, who has symptoms consistent with infantile onset Pompe disease, and another individual with late-onset Pompe disease and documented laboratory values showing deficient GAA activity (PMID 30363678), both meet the ClinGen LSD VCEP’s specifications for PP4_Moderate. The first patient (CRIM-negative) is compound heterozygous for the variant and a "complex deletion". Because details of the complex deletion are unavailable, this data was not included for PM3. The second patient is compound heterozygous for the variant and a pathogenic variant in GAA, c.-32-13T>G, phase unknown (PMID: 30363678)(0.5 points, PM3_Supporting). The highest population minor allele frequency in gnomAD v2.1.1 is 0.000009 in the European non-Finnish population, which is lower than the ClinGen LSD VCEP threshold (<0.001) for PM2_Supporting, meeting this criterion (PM2_Supporting). There is a ClinVar entry for this variant (Variation ID: 92480, one star review status) with one submitter classifying the variant as pathogenic and one as likely pathogenic. In summary, this variant meets the criteria to be classified as pathogenic for Pompe disease. GAA-specific ACMG/AMP criteria met, as specified by the ClinGen LSD VCEP (Specifications Version 2.0): PVS1, PP4_Moderate, PM2_Supporting, PM3_Supporting.

Genomenon, Inc
Classification: Pathogenic for Glycogen storage disease, type II. Last evaluated: 2026-07-01. Review status: criteria provided, single submitter. Criteria: Genomenon Sequence Variant Interpretation Standards - Updated. Collection method: curation. Allele origin: germline. Affected: yes. Not counted in ClinVar's aggregate classification.
Comment: GAA p.Lys849ArgfsTer38 (c.2544del) is a frameshift variant that is predicted to introduce a premature termination codon and result in a truncated or absent protein product. This variant has been observed in at least one proband with a GAA-related disorder (PMID:27858647;30363678). It is absent or not present at a significant frequency in gnomAD. In conclusion, we classify GAA p.Lys849ArgfsTer38 (c.2544del) as a pathogenic variant.

Natera, Inc.
Classification: Pathogenic for Glycogen storage disease type II. Last evaluated: 2025-10-17. Review status: criteria provided, single submitter. Criteria: Natera Variant Classification Schema (03/2026). Collection method: clinical testing. Allele origin: germline. Not counted in ClinVar's aggregate classification.
Comment: The c.2544del variant in GAA is a frameshift variant predicted to shift the reading frame beginning at codon 849 and leads to a stop codon 38 codons downstream. This variant is expected to result in nonsense mediated decay, truncation, or a dysfunctional protein product. This variant is rare in the general population with a frequency below the threshold expected for the associated phenotype(s). This variant has been observed in one or more individuals affected with the associated recessive disease, as either homozygous or compound heterozygous with a second variant (PMID: 30363678). Given the available evidence, this variant is classified as Pathogenic.

Baylor Genetics
Classification: Pathogenic for Glycogen storage disease, type II. Last evaluated: 2023-09-21. Review status: criteria provided, single submitter. Criteria: ACMG Guidelines, 2015. Collection method: clinical testing. Allele origin: unknown. Not counted in ClinVar's aggregate classification.

Broad Center for Mendelian Genomics, Broad Institute of MIT and Harvard
Classification: Likely pathogenic for Glycogen storage disease, type II. Last evaluated: 2020-01-22. Review status: criteria provided, single submitter. Criteria: ACMG Guidelines, 2015. Collection method: curation. Allele origin: germline. Inheritance: Autosomal recessive inheritance. Not counted in ClinVar's aggregate classification.
Comment: The p.Lys849ArgfsTer38 variant in GAA has been reported in 1 individual with Glycogen Storage Disease II (DOI: 10.1186/1471-2474-14-S2-P3), and has also been reported pathogenic by EGL in ClinVar (Variation ID: 92480). This variant has been identified in 0.0009% (1/112244) of European (non-Finnish) chromosomes by the Genome Aggregation Database (gnomAD; dbSNP rs398123173). Although this variant has been seen in the general population, its frequency is low enough to be consistent with a recessive carrier frequency. This variant is predicted to cause a frameshift, which alters the protein's amino acid sequence beginning at position 849 and leads to a premature termination codon 38 amino acids downstream. This alteration is then predicted to lead to a truncated or absent protein. Loss of function of the GAA gene is an established disease mechanism in autosomal recessive Glycogen Storage Disease II. This variant was seen in combination with a complex deletion and in an individual with Glycogen Storage Disease II (DOI: 10.1186/1471-2474-14-S2-P3). In summary, although additional studies are required to fully establish its clinical significance, this variant is likely pathogenic. ACMG/AMP Criteria applied: PVS1, PM2 (Richards 2015).

Department of Pathology and Laboratory Medicine, Sinai Health System
Classification: Pathogenic for glycogen storage disease II. Last evaluated: 2015-12-29. Review status: criteria provided, single submitter. Criteria: ACMG Guidelines, 2015. Collection method: clinical testing. Allele origin: germline. Not counted in ClinVar's aggregate classification.

Laboratory for Molecular Medicine, Mass General Brigham Personalized Medicine
Classification: Pathogenic for Glycogen storage disease. Last evaluated: 2015-12-23. Review status: criteria provided, single submitter. Criteria: ACMG Guidelines, 2015. Collection method: clinical testing. Allele origin: germline. Inheritance: Autosomal unknown. Not counted in ClinVar's aggregate classification.
Comment: The variant has been identified in 1/65646 of European chromosomes by the Exome Aggregation Consortium (ExAC; dbSNP rs398123173). This variant is predicted to cause a frameshift, which alters the protein’s amino acid sequence beginning at position 849 and leads to a premature termination codon 38 amino acids downstream. This alteration is then predicted to lead to a truncated or absent protein. Loss of function of the GAA gene is an established disease mechanism in autosomal recessive glycogen storage disease II. In summary, the p.Lys849fs variant is pathogenic.

Eurofins Ntd Llc (ga)
Classification: Pathogenic. Last evaluated: 2015-12-14. Review status: criteria provided, single submitter. Criteria: EGL Classification Definitions. Collection method: clinical testing. Allele origin: germline. Observed: 2 variant alleles, 2 heterozygotes. Not counted in ClinVar's aggregate classification.

Literature cited by the submitters: PubMed 27858647 (cited by Genomenon, Inc); PubMed 30363678 (cited by Genomenon, Inc and Natera, Inc.); PubMed 21228398 (cited by Laboratory for Molecular Medicine, Mass General Brigham Personalized Medicine).

NM_000152.5(GAA):c.2544del (p.Lys849fs)

Gene: GAA (alpha glucosidase; plus strand). Cytogenetic location: 17q25.3.
Variant type: Deletion.
Coding change: c.2544del on transcript NM_000152.5 (MANE Select); coding-DNA position 2544, one base deleted (C; older notation c.2544delC).
Protein change: p.Lys849fs; shifts the reading frame from lysine 849.
Molecular consequence: frameshift variant.
Genome position (GRCh38, 1-based): chr17:80,118,255, C deleted; the last of 2 consecutive C bases (chr17:80,118,254-80,118,255); deleting either gives the same sequence. VCF-style (leftmost placement, unchanged base first): chr17-80118253-AC-A. GRCh37 (hg19) VCF-style: chr17-78092052-AC-A.
Other names: NM_000152.5(GAA):c.2544del; p.Lys849fs; c.2544del, p.Lys849fs (NM_001079803.3, NM_001079804.3); c.2544delC (NM_000152.5); c.2544del (NM_000152.4, LRG_673t1); short protein forms K849fs.
Identifiers: ClinVar variation 92480 (VCV000092480.15), dbSNP rs398123173, ClinGen allele CA220403.